The following is an entry in ClinVar:

ClinVar aggregate classification (germline): Uncertain significance (1 of 4 stars; one submission).

Conditions:
Developmental and epileptic encephalopathy, 25 (DEE25). Also called: Developmental and epileptic encephalopathy 25, with amelogenesis imperfecta; Epileptic encephalopathy, early infantile, 25, with amelogenesis imperfecta; Epileptic encephalopathy, early infantile, 25. Identifiers: Orphanet 442835, MedGen C4014621, MONDO:0014392, OMIM 615905.

Submission:

Labcorp Genetics (formerly Invitae), Labcorp
Classification: Uncertain significance for Developmental and epileptic encephalopathy, 25. Last evaluated: 2021-12-22. Review status: criteria provided, single submitter. Criteria: Invitae Variant Classification Sherloc (09022015). Collection method: clinical testing. Allele origin: germline.
Comment: This sequence change replaces alanine, which is neutral and non-polar, with proline, which is neutral and non-polar, at codon 146 of the SLC13A5 protein (p.Ala146Pro). In summary, the available evidence is currently insufficient to determine the role of this variant in disease. Therefore, it has been classified as a Variant of Uncertain Significance. Algorithms developed to predict the effect of missense changes on protein structure and function (SIFT, PolyPhen-2, Align-GVGD) all suggest that this variant is likely to be disruptive. This variant has not been reported in the literature in individuals affected with SLC13A5-related conditions. This variant is not present in population databases (gnomAD no frequency).

NM_177550.5(SLC13A5):c.436G>C (p.Ala146Pro)

Gene: SLC13A5 (solute carrier family 13 member 5; minus strand). Cytogenetic location: 17p13.1.
Variant type: single nucleotide variant.
Coding change: c.436G>C on transcript NM_177550.5 (MANE Select); coding-DNA position 436, G replaced by C.
Protein change: p.Ala146Pro; replaces alanine 146 with proline.
Molecular consequence: missense variant.
Genome position (GRCh38, 1-based): chr17:6,703,989, C>G on the plus strand (G>C on the coding strand, the complement: SLC13A5 is on the minus strand). VCF-style: chr17-6703989-C-G. GRCh37 (hg19) VCF-style: chr17-6607308-C-G.
Other names: c.436G>C, p.Ala146Pro (NM_001143838.3); c.385G>C, p.Ala129Pro (NM_001284509.2); c.307G>C, p.Ala103Pro (NM_001284510.2); short protein forms A103P, A146P, A129P.
Identifiers: ClinVar variation 1967333 (VCV001967333.5), dbSNP rs1973792554, ClinGen allele CA397750138.